The following is an entry in ClinVar:

NM_001035.3(RYR2):c.6185T>C (p.Ile2062Thr)

Gene: RYR2 (ryanodine receptor 2; plus strand). Cytogenetic location: 1q43.
Variant type: single nucleotide variant.
Coding change: c.6185T>C on transcript NM_001035.3 (MANE Select); coding-DNA position 6185, T replaced by C.
Protein change: p.Ile2062Thr; replaces isoleucine 2062 with threonine.
Molecular consequence: missense variant.
Genome position (GRCh38, 1-based): chr1:237,627,825, T>C. VCF-style: chr1-237627825-T-C. GRCh37 (hg19) VCF-style: chr1-237791125-T-C.
Other names: short protein forms I2062T.
Identifiers: ClinVar variation 863000 (VCV000863000.13), dbSNP rs750073486, ClinGen allele CA087072.

ClinVar aggregate classification (germline): Uncertain significance. Review status: criteria provided, multiple submitters, no conflicts (2 of 4 stars). 3 submissions from 3 submitters: Uncertain significance (3). Last evaluated 2024-07-24.

Conditions:
Catecholaminergic polymorphic ventricular tachycardia (CVPT). Also called: Catecholamine-induced polymorphic ventricular tachycardia. Identifiers: Orphanet 3286, MedGen C5574922, MONDO:0017990.
Catecholaminergic polymorphic ventricular tachycardia 1. Also called: VENTRICULAR TACHYCARDIA, CATECHOLAMINERGIC POLYMORPHIC, 1, WITH OR WITHOUT ATRIAL DYSFUNCTION AND/OR DILATED CARDIOMYOPATHY; RYR2-Related Catecholaminergic Polymorphic Ventricular Tachycardia; VENTRICULAR TACHYCARDIA, STRESS-INDUCED POLYMORPHIC 1. Identifiers: Orphanet 3286, MedGen C1631597, MONDO:0011484, OMIM 604772.

Allele frequency attached by ClinVar (database versions not stated): ExAC 0.00001; gnomAD exomes 0.00001.
gnomAD v4.1: 3 of 1,605,388 alleles (0.00019%); highest among the groups gnomAD compares: Admixed American, 0.005%; no homozygotes.

Submissions (3):

GeneDx
Classification: Uncertain significance. Last evaluated: 2024-07-24. Review status: criteria provided, single submitter. Criteria: GeneDx Variant Classification Process June 2021. Collection method: clinical testing. Allele origin: germline. Affected: yes.
Comment: Not observed at significant frequency in large population cohorts (gnomAD); In silico analysis supports that this missense variant has a deleterious effect on protein structure/function; Has not been previously published as pathogenic or benign to our knowledge; Not located in one of the three hot-spot regions of the RYR2 gene, where the majority of pathogenic missense variants occur (PMID: 19926015); This variant is associated with the following publications: (PMID: 19926015)

All of Us Research Program, National Institutes of Health
Classification: Uncertain significance for Catecholaminergic polymorphic ventricular tachycardia. Last evaluated: 2024-06-11. Review status: criteria provided, single submitter. Criteria: ACMG Guidelines, 2015. Collection method: clinical testing. Allele origin: germline. Inheritance: Autosomal dominant inheritance. Observed: 1 variant allele, 1 heterozygote.
Comment: This study involves interpretation of variants in research participants for the purpose of population health screening. Participant phenotype was not available at the time of variant classification. Additional details can be found in publication PMID: 35346344, PMCID: PMC8962531

Labcorp Genetics (formerly Invitae), Labcorp
Classification: Uncertain significance for Catecholaminergic polymorphic ventricular tachycardia 1. Last evaluated: 2019-12-31. Review status: criteria provided, single submitter. Criteria: Invitae Variant Classification Sherloc (09022015). Collection method: clinical testing. Allele origin: germline.
Comment: This sequence change replaces isoleucine with threonine at codon 2062 of the RYR2 protein (p.Ile2062Thr). The isoleucine residue is highly conserved and there is a moderate physicochemical difference between isoleucine and threonine. This variant is present in population databases (rs750073486, ExAC 0.02%). This variant has not been reported in the literature in individuals with RYR2-related conditions. Algorithms developed to predict the effect of missense changes on protein structure and function (SIFT, PolyPhen-2, Align-GVGD) all suggest that this variant is likely to be disruptive, but these predictions have not been confirmed by published functional studies and their clinical significance is uncertain. In summary, the available evidence is currently insufficient to determine the role of this variant in disease. Therefore, it has been classified as a Variant of Uncertain Significance.